The following is an entry in ClinVar:

ClinVar aggregate classification (germline): Uncertain significance (1 of 4 stars; one submission).

Submission:

Labcorp Genetics (formerly Invitae), Labcorp
Classification: Uncertain significance. Last evaluated: 2021-10-20. Review status: criteria provided, single submitter. Criteria: Invitae Variant Classification Sherloc (09022015). Collection method: clinical testing. Allele origin: germline.
Comment: In summary, the available evidence is currently insufficient to determine the role of this variant in disease. Therefore, it has been classified as a Variant of Uncertain Significance. This sequence change replaces arginine with glycine at codon 2471 of the CPLANE1 protein (p.Arg2471Gly). The arginine residue is highly conserved and there is a moderate physicochemical difference between arginine and glycine. This variant is not present in population databases (ExAC no frequency). This variant has not been reported in the literature in individuals affected with CPLANE1-related conditions. Algorithms developed to predict the effect of missense changes on protein structure and function are either unavailable or do not agree on the potential impact of this missense change (SIFT: "Deleterious"; PolyPhen-2: "Probably Damaging"; Align-GVGD: "Class C0").

NM_001384732.1(CPLANE1):c.7411A>G (p.Arg2471Gly)

Gene: CPLANE1 (ciliogenesis and planar polarity effector complex subunit 1; minus strand). Cytogenetic location: 5p13.2.
Variant type: single nucleotide variant.
Coding change: c.7411A>G on transcript NM_001384732.1 (MANE Select); coding-DNA position 7411, A replaced by G.
Protein change: p.Arg2471Gly; replaces arginine 2471 with glycine.
Molecular consequence: missense variant.
Genome position (GRCh38, 1-based): chr5:37,165,661, T>C on the plus strand (A>G on the coding strand, the complement: CPLANE1 is on the minus strand). VCF-style: chr5-37165661-T-C. GRCh37 (hg19) VCF-style: chr5-37165763-T-C.
Other names: c.7411A>G, p.Arg2471Gly (NM_023073.4); short protein forms R2471G.
Identifiers: ClinVar variation 1495981 (VCV001495981.6), dbSNP rs2150870158, ClinGen allele CA359476607.
Genomic context (GRCh38, chr5:37,165,661, plus strand): 5'-TCACATTTGGTTTTCTCCTCAGTTTCTCACATCTTTTTTCTTGCAGCTCTTTCTCAGCTC[T>C]TCTTCTTTGCCTGTTAAACATAATAGCATAAAACATACTTTTACAACTATAGCAACATTT-3'
Protein context (NP_001371661.1, residues 2461-2481): GKDSKKRQRR[Arg2471Gly]AEKELQEKRC